The following is an entry in ClinVar:

NM_000077.5(CDKN2A):c.*8A>T

Gene: CDKN2A (cyclin dependent kinase inhibitor 2A; minus strand). Cytogenetic location: 9p21.3.
Variant type: single nucleotide variant.
Coding change: c.*8A>T on transcript NM_000077.5; 8 bases downstream of the stop codon, A replaced by T.
Molecular consequence: 3 prime UTR variant (on NM_001195132.2).
Genome position (GRCh38, 1-based): chr9:21,968,221, T>A on the plus strand (A>T on the coding strand, the complement: CDKN2A is on the minus strand). VCF-style: chr9-21968221-T-A. GRCh37 (hg19) VCF-style: chr9-21968220-T-A.
Other names: c.*8A>T (NM_000077.6, NM_001363763.2); c.*172A>T (NM_001195132.2); c.*123A>T (NM_058195.4); c.*402A>T (NM_058197.5).
Identifiers: ClinVar variation 390474 (VCV000390474.7), dbSNP rs763795863, ClinGen allele CA5012123.

ClinVar aggregate classification (germline): Conflicting classifications of pathogenicity. Review status: criteria provided, conflicting classifications (1 of 4 stars). 3 submissions from 3 submitters: Uncertain significance (1); Benign (1); Likely benign (1). Last evaluated 2025-08-20.

Conditions:
Hereditary cancer-predisposing syndrome. Also called: Tumor predisposition; Neoplastic Syndromes, Hereditary; Hereditary neoplastic syndrome; Hereditary Cancer Syndrome. Identifiers: Orphanet 140162, MedGen C0027672, MeSH D009386, MONDO:0015356.
Melanoma-pancreatic cancer syndrome. Identifiers: Orphanet 404560, MedGen C1838547, MONDO:0011713, OMIM 606719. Disease mechanism: loss of function.

Allele frequency attached by ClinVar (database versions not stated): ExAC 0.00002.
gnomAD v4.1: 4 of 1,613,792 alleles (0.00025%); highest among the groups gnomAD compares: Non-Finnish European, 0.00034%; no homozygotes.

Submissions (3):

Myriad Genetics, Inc.
Classification: Benign for Melanoma-pancreatic cancer syndrome. Last evaluated: 2025-08-20. Review status: criteria provided, single submitter. Criteria: Myriad Autosomal Dominant, Autosomal Recessive and X-Linked Classification Criteria (2023). Collection method: clinical testing. Allele origin: unknown.
Comment: This variant is considered benign. This variant occurs in the non-coding 3' untranslated region of the gene, and is not expected to impact protein function.

Color Diagnostics, LLC DBA Color Health
Classification: Uncertain significance for Hereditary cancer-predisposing syndrome. Last evaluated: 2019-07-10. Review status: criteria provided, single submitter. Criteria: ACMG Guidelines, 2015. Collection method: clinical testing. Allele origin: germline.
Comment: This variant is located in the 3' untranslated region of the CDKN2A protein. To our knowledge, functional assays have not been performed for this variant nor has this variant been reported in individuals affected with hereditary cancer in the literature. This variant has been identified in 2/251366 chromosomes in the general population by the Genome Aggregation Database (gnomAD). Available evidence is insufficient to determine the role of this variant in disease conclusively. Therefore, this variant is classified as a Variant of Uncertain Significance.

GeneDx
Classification: Likely benign. Last evaluated: 2018-10-19. Review status: criteria provided, single submitter. Criteria: GeneDx Variant Classification Process June 2021. Collection method: clinical testing. Allele origin: germline. Affected: yes.